The following is an entry in ClinVar:

NM_001035.3(RYR2):c.1249C>G (p.Arg417Gly)

Gene: RYR2 (ryanodine receptor 2; plus strand). Cytogenetic location: 1q43.
Variant type: single nucleotide variant.
Coding change: c.1249C>G on transcript NM_001035.3 (MANE Select); coding-DNA position 1249, C replaced by G.
Protein change: p.Arg417Gly; replaces arginine 417 with glycine.
Molecular consequence: missense variant.
Genome position (GRCh38, 1-based): chr1:237,445,479, C>G. VCF-style: chr1-237445479-C-G. GRCh37 (hg19) VCF-style: chr1-237608779-C-G.
Other names: short protein forms R417G.
Identifiers: ClinVar variation 926166 (VCV000926166.24), dbSNP rs564822776, ClinGen allele CA066204.
Genomic context (GRCh38, chr1:237,445,479, plus strand): 5'-GGCCACATGGATGATGGCATAAGTTTGTCGAGATCCCAGCATGAAGAATCACGCACAGCC[C>G]GAGTTATCCGGAGCACAGTCTTCCTTTTCAATAGATTTATAAGGTACTTTTTCTTTTGTA-3'
Protein context (NP_001026.2, residues 407-427): RSQHEESRTA[Arg417Gly]VIRSTVFLFN

ClinVar aggregate classification (germline): Conflicting classifications of pathogenicity. Review status: criteria provided, conflicting classifications (1 of 4 stars). 8 submissions from 8 submitters: Likely pathogenic (2); Uncertain significance (6). Last evaluated 2025-09-22.

Conditions:
Cardiovascular phenotype. Identifiers: MedGen CN230736.
Catecholaminergic polymorphic ventricular tachycardia 1. Also called: RYR2-Related Catecholaminergic Polymorphic Ventricular Tachycardia; VENTRICULAR TACHYCARDIA, STRESS-INDUCED POLYMORPHIC 1; VENTRICULAR TACHYCARDIA, CATECHOLAMINERGIC POLYMORPHIC, 1, WITH OR WITHOUT ATRIAL DYSFUNCTION AND/OR DILATED CARDIOMYOPATHY. Identifiers: Orphanet 3286, MedGen C1631597, MONDO:0011484, OMIM 604772.
Catecholaminergic polymorphic ventricular tachycardia (CVPT). Also called: Catecholamine-induced polymorphic ventricular tachycardia. Identifiers: Orphanet 3286, MedGen C5574922, MONDO:0017990.
Cardiomyopathy (CMYO). Also called: Cardiomyopathies. Identifiers: Orphanet 167848, MedGen C0878544, MONDO:0004994, HP:0001638. Inheritance: Various modes of inheritance.

Allele frequency attached by ClinVar (database versions not stated): ExAC 0.00001; gnomAD exomes 0.00002; gnomAD 0.00004 and 0.00005; TOPMed 0.00008; 1000 Genomes Project 30x 0.00016; 1000 Genomes Project 0.00020.
gnomAD v4.1: 22 of 1,613,688 alleles (0.0014%); highest among the groups gnomAD compares: Admixed American, 0.0083%; no homozygotes.

Submissions (8):

Labcorp Genetics (formerly Invitae), Labcorp
Classification: Uncertain significance for Catecholaminergic polymorphic ventricular tachycardia 1. Last evaluated: 2025-09-22. Review status: criteria provided, single submitter. Criteria: Invitae Variant Classification Sherloc (09022015). Collection method: clinical testing. Allele origin: germline.
Comment: This sequence change replaces arginine, which is basic and polar, with glycine, which is neutral and non-polar, at codon 417 of the RYR2 protein (p.Arg417Gly). This variant is present in population databases (rs564822776, gnomAD 0.009%). This variant has not been reported in the literature in individuals affected with RYR2-related conditions. ClinVar contains an entry for this variant (Variation ID: 926166). Invitae Evidence Modeling of protein sequence and biophysical properties (such as structural, functional, and spatial information, amino acid conservation, physicochemical variation, residue mobility, and thermodynamic stability) indicates that this missense variant is expected to disrupt RYR2 protein function with a positive predictive value of 95%. In summary, the available evidence is currently insufficient to determine the role of this variant in disease. Therefore, it has been classified as a Variant of Uncertain Significance.

Ambry Genetics
Classification: Uncertain significance for Cardiovascular phenotype. Last evaluated: 2025-05-19. Review status: criteria provided, single submitter. Criteria: Ambry Variant Classification Scheme 2023. Collection method: clinical testing. Allele origin: germline.
Comment: The p.R417G variant (also known as c.1249C>G), located in coding exon 14 of the RYR2 gene, results from a C to G substitution at nucleotide position 1249. The arginine at codon 417 is replaced by glycine, an amino acid with dissimilar properties. This amino acid position is highly conserved in available vertebrate species. In addition, the in silico prediction for this alteration is inconclusive. Based on the available evidence, the clinical significance of this variant remains unclear.

Blueprint Genetics
Classification: Uncertain significance. Last evaluated: 2024-09-12. Review status: criteria provided, single submitter. Criteria: ACMG Guidelines, 2015. Collection method: clinical testing. Allele origin: germline.

Color Diagnostics, LLC DBA Color Health
Classification: Uncertain significance for Cardiomyopathy. Last evaluated: 2024-09-11. Review status: criteria provided, single submitter. Criteria: ACMG Guidelines, 2015. Collection method: clinical testing. Allele origin: germline.
Comment: This missense variant replaces arginine with glycine at codon 417 of the RYR2 protein. Computational prediction is inconclusive regarding the impact of this variant on protein structure and function. To our knowledge, functional studies have not been reported for this variant. This variant has been reported in an individual referred for catecholaminergic polymorphic ventricular tachycardia genetic test (PMID: 28404607). This variant has also been identified in 5/280428 chromosomes in the general population by the Genome Aggregation Database (gnomAD). The available evidence is insufficient to determine the role of this variant in disease conclusively. Therefore, this variant is classified as a Variant of Uncertain Significance.

All of Us Research Program, National Institutes of Health
Classification: Uncertain significance for Catecholaminergic polymorphic ventricular tachycardia. Last evaluated: 2024-08-06. Review status: criteria provided, single submitter. Criteria: ACMG Guidelines, 2015. Collection method: clinical testing. Allele origin: germline. Inheritance: Autosomal dominant inheritance. Observed: 10 variant alleles, 10 heterozygotes.
Comment: This missense variant replaces arginine with glycine at codon 417 of the RYR2 protein. Computational prediction is inconclusive regarding the impact of this variant on protein structure and function (internally defined REVEL score threshold 0.5 < inconclusive < 0.7, PMID: 27666373). Splice site prediction tools suggest that this variant may not impact RNA splicing. To our knowledge, functional studies have not been performed for this variant. This variant has been reported in an individual referred for catecholaminergic polymorphic ventricular tachycardia genetic test (PMID: 28404607). This variant has also been identified in 5/280428 chromosomes in the general population by the Genome Aggregation Database (gnomAD). The available evidence is insufficient to determine the role of this variant in disease conclusively. Therefore, this variant is classified as a Variant of Uncertain Significance.

This study involves interpretation of variants in research participants for the purpose of population health screening. Participant phenotype was not available at the time of variant classification. Additional details can be found in publication PMID: 35346344, PMCID: PMC8962531

Molecular Diagnostic Laboratory for Inherited Cardiovascular Disease, Montreal Heart Institute
Classification: Likely pathogenic for Cardiovascular phenotype. Last evaluated: 2020-12-16. Review status: criteria provided, single submitter. Criteria: ACMG Guidelines, 2015. Collection method: clinical testing. Allele origin: germline. Affected: yes.

Institute of Human Genetics, University of Leipzig Medical Center
Classification: Likely pathogenic for Catecholaminergic polymorphic ventricular tachycardia 1. Last evaluated: 2020-09-10. Review status: criteria provided, single submitter. Criteria: ACMG Guidelines, 2015. Collection method: clinical testing. Allele origin: unknown. Affected: yes.

GeneDx
Classification: Uncertain significance. Last evaluated: 2019-05-07. Review status: criteria provided, single submitter. Criteria: GeneDx Variant Classification Process June 2021. Collection method: clinical testing. Allele origin: germline. Affected: yes.
Comment: Has not been previously published as pathogenic or benign to our knowledge; Not observed at a significant frequency in large population cohorts (Lek et al., 2016); In silico analysis, which includes protein predictors and evolutionary conservation, supports a deleterious effect; Is located in one of the three hot-spot regions of the RYR2 gene, where the majority of pathogenic missense variants occur (Medeiros-Domingo et al., 2009)

Literature cited by the submitters: PubMed 28404607 (cited by Color Diagnostics, LLC DBA Color Health and All of Us Research Program, National Institutes of Health).